The following is an entry in ClinVar:

ClinVar aggregate classification (germline): Conflicting classifications of pathogenicity. Review status: criteria provided, conflicting classifications (1 of 4 stars). 4 submissions from 4 submitters: Pathogenic (1); Likely pathogenic (2); Uncertain significance (1). Last evaluated 2025-07-31.

Conditions:
MYH2-related disorder. Also called: MYH2-related condition.
Myopathy, proximal, and ophthalmoplegia (CMYO6). Also called: CONGENITAL MYOPATHY 6 WITH OPHTHALMOPLEGIA; MYOPATHY WITH CONGENITAL JOINT CONTRACTURES, OPHTHALMOPLEGIA, AND RIMMED VACUOLES; INCLUSION BODY MYOPATHY 3, AUTOSOMAL DOMINANT. Identifiers: Orphanet 363677, Orphanet 79091, MedGen C1854106, MONDO:0011577, OMIM 605637.

Submissions (4):

First Genomix Gene Laboratory, Genetic Diagnostics Department
Classification: Likely pathogenic for Myopathy, proximal, and ophthalmoplegia. Last evaluated: 2025-07-31. Review status: criteria provided, single submitter. Criteria: ACMG Guidelines, 2015. Collection method: clinical testing. Allele origin: germline. Inheritance: Autosomal recessive inheritance. Affected: no. Observed: 1 variant allele.

Labcorp Genetics (formerly Invitae), Labcorp
Classification: Pathogenic for Myopathy, proximal, and ophthalmoplegia. Last evaluated: 2025-06-29. Review status: criteria provided, single submitter. Criteria: Invitae Variant Classification Sherloc (09022015). Collection method: clinical testing. Allele origin: germline.
Comment: This sequence change creates a premature translational stop signal (p.Lys1451Serfs*40) in the MYH2 gene. It is expected to result in an absent or disrupted protein product. Loss-of-function variants in MYH2 are known to be pathogenic (PMID: 20418530, 23388406, 24193343). This variant is present in population databases (rs757195322, gnomAD 0.006%). This premature translational stop signal has been observed in individual(s) with autosomal recessive MYH2-related conditions (PMID: 24193343). ClinVar contains an entry for this variant (Variation ID: 1074834). For these reasons, this variant has been classified as Pathogenic.

Foundation for Research in Genetics and Endocrinology, FRIGE's Institute of Human Genetics
Classification: Uncertain significance for Myopathy, proximal, and ophthalmoplegia. Last evaluated: 2021-10-13. Review status: criteria provided, single submitter. Criteria: ACMG Guidelines, 2015. Collection method: clinical testing. Allele origin: germline. Inheritance: Autosomal dominant inheritance. Affected: yes. Observed: 1 heterozygote.
Comment: A heterozygous single base pair deletion in exon 31 of the MYH2 gene that results in frameshift and premature truncation of the protein 40 amino acids downstream to codon 1451 was detected. The observed variant c.4352del (p.Lys1451SerfsTer40) has not been reported in the 1000 genomes and has a minor allele frequency of 0.0006% in gnomAD database. The reference codon is conserved across species. In summary, the variant meets our criteria to be classified as a variant of uncertain significance.

Blueprint Genetics
Classification: Likely pathogenic for MYH2-related disorders. Last evaluated: 2019-11-29. Review status: criteria provided, single submitter. Criteria: ACMG Guidelines, 2015. Collection method: clinical testing. Allele origin: germline. Affected: yes. Observed: 1 variant allele.

Literature cited by the submitters: PubMed 20418530 (cited by Labcorp Genetics (formerly Invitae), Labcorp); PubMed 23388406 (cited by Labcorp Genetics (formerly Invitae), Labcorp); PubMed 24193343 (cited by Labcorp Genetics (formerly Invitae), Labcorp).

NM_017534.6(MYH2):c.4352del (p.Lys1451fs)

Genes: MYH2 (myosin heavy chain 2; minus strand), MYHAS (myosin heavy chain gene cluster antisense RNA; plus strand). Cytogenetic location: 17p13.1.
Variant type: Deletion.
Coding change: c.4352del on transcript NM_017534.6 (MANE Select); coding-DNA position 4352, one base deleted (A; older notation c.4352delA).
Protein change: p.Lys1451fs; shifts the reading frame from lysine 1451.
Molecular consequence: frameshift variant.
Genome position (GRCh38, 1-based): chr17:10,525,712, T deleted on the plus strand (A on the coding strand, the reverse complement: MYH2 is on the minus strand); the first of 5 consecutive T bases (chr17:10,525,712-10,525,716); deleting any one gives the same sequence. VCF-style (leftmost placement, unchanged base first): chr17-10525711-CT-C. GRCh37 (hg19) VCF-style: chr17-10429028-CT-C.
Other names: p.Lys1451SerfsTer40; c.4352delA (NM_017534.6); c.4352del, p.Lys1451fs (NM_001100112.2); short protein forms K1451fs.
Identifiers: ClinVar variation 1074834 (VCV001074834.10), dbSNP rs757195322, ClinGen allele CA8390659.